The following is an entry in ClinVar:

NM_004795.4(KL):c.1882C>T (p.Arg628Cys)

Gene: KL (klotho; plus strand). Cytogenetic location: 13q13.1.
Variant type: single nucleotide variant.
Coding change: c.1882C>T on transcript NM_004795.4 (MANE Select); coding-DNA position 1882, C replaced by T.
Protein change: p.Arg628Cys; replaces arginine 628 with cysteine.
Molecular consequence: missense variant.
Genome position (GRCh38, 1-based): chr13:33,060,961, C>T. VCF-style: chr13-33060961-C-T. GRCh37 (hg19) VCF-style: chr13-33635098-C-T.
Other names: short protein forms R628C.
Identifiers: ClinVar variation 1403649 (VCV001403649.9), dbSNP rs200940225, ClinGen allele CA247531713.

ClinVar aggregate classification (germline): Uncertain significance. Review status: criteria provided, multiple submitters, no conflicts (2 of 4 stars). 2 submissions from 2 submitters: Uncertain significance (2). Last evaluated 2025-12-17.

Conditions:
Tumoral calcinosis, hyperphosphatemic, familial, 3. Identifiers: MedGen C4693864, MONDO:0060715, OMIM 617994.

Allele frequency attached by ClinVar (database versions not stated): gnomAD exomes 0.00003 and 0.00005; gnomAD 0.00011 and 0.00012; TOPMed 0.00013.
gnomAD v4.1: 86 of 1,611,194 alleles (0.0053%); highest among the groups gnomAD compares: African/African-American, 0.027%; no homozygotes.

Submissions (2):

Labcorp Genetics (formerly Invitae), Labcorp
Classification: Uncertain significance. Last evaluated: 2025-12-17. Review status: criteria provided, single submitter. Criteria: Invitae Variant Classification Sherloc (09022015). Collection method: clinical testing. Allele origin: germline.
Comment: This sequence change replaces arginine, which is basic and polar, with cysteine, which is neutral and slightly polar, at codon 628 of the KL protein (p.Arg628Cys). This variant is present in population databases (rs200940225, gnomAD 0.02%). This variant has not been reported in the literature in individuals affected with KL-related conditions. ClinVar contains an entry for this variant (Variation ID: 1403649). Invitae Evidence Modeling of protein sequence and biophysical properties (such as structural, functional, and spatial information, amino acid conservation, physicochemical variation, residue mobility, and thermodynamic stability) indicates that this missense variant is not expected to disrupt KL protein function with a negative predictive value of 80%. In summary, the available evidence is currently insufficient to determine the role of this variant in disease. Therefore, it has been classified as a Variant of Uncertain Significance.

Fulgent Genetics
Classification: Uncertain significance for Tumoral calcinosis, hyperphosphatemic, familial, 3. Last evaluated: 2022-04-27. Review status: criteria provided, single submitter. Criteria: ACMG Guidelines, 2015. Collection method: clinical testing. Allele origin: unknown.